The following is an entry in ClinVar:

NM_002204.4(ITGA3):c.6C>T (p.Gly2=)

Gene: ITGA3 (integrin subunit alpha 3; plus strand). Cytogenetic location: 17q21.33.
Variant type: single nucleotide variant.
Coding change: c.6C>T on transcript NM_002204.4 (MANE Select); coding-DNA position 6, C replaced by T.
Protein change: p.Gly2=; no amino-acid change (glycine 2 retained).
Molecular consequence: synonymous variant.
Genome position (GRCh38, 1-based): chr17:50,056,445, C>T. VCF-style: chr17-50056445-C-T. GRCh37 (hg19) VCF-style: chr17-48133809-C-T.
Other names: c.6C>T (NM_002204.3).
Identifiers: ClinVar variation 2896660 (VCV002896660.4), dbSNP rs1189541372, ClinGen allele CA500824924.

ClinVar aggregate classification (germline): Likely benign. Review status: criteria provided, multiple submitters, no conflicts (2 of 4 stars). 2 submissions from 2 submitters: Likely benign (2). Last evaluated 2025-09-04.

Conditions:
ITGA3-related disorder. Also called: ITGA3-related condition.

Allele frequency attached by ClinVar (database versions not stated): gnomAD 0.00001; gnomAD exomes 0.00001; TOPMed 0.00003.
gnomAD v4.1: 21 of 1,528,842 alleles (0.0014%); highest among the groups gnomAD compares: Middle Eastern, 0.067%; no homozygotes.

Submissions (2):

PreventionGenetics, part of Exact Sciences
Classification: Likely benign for ITGA3-related condition. Last evaluated: 2025-09-04. Review status: criteria provided, single submitter. Criteria: ACMG Guidelines, 2015. Collection method: clinical testing. Allele origin: germline.
Comment: This variant is classified as likely benign based on ACMG/AMP sequence variant interpretation guidelines (Richards et al. 2015 PMID: 25741868, with internal and published modifications).

Labcorp Genetics (formerly Invitae), Labcorp
Classification: Likely benign. Last evaluated: 2023-07-03. Review status: criteria provided, single submitter. Criteria: Invitae Variant Classification Sherloc (09022015). Collection method: clinical testing. Allele origin: germline.